The following is an entry in ClinVar:

ClinVar aggregate classification (germline): Uncertain significance (1 of 4 stars; one submission).

Conditions:
Nephronophthisis. Also called: Juvenile Nephronophthisis. Identifiers: Orphanet 655, MedGen C0687120, MONDO:0019005, HP:0000090.

Submission:

Labcorp Genetics (formerly Invitae), Labcorp
Classification: Uncertain significance for Nephronophthisis. Last evaluated: 2021-05-18. Review status: criteria provided, single submitter. Criteria: Invitae Variant Classification Sherloc (09022015). Collection method: clinical testing. Allele origin: germline.
Comment: This sequence change replaces alanine with threonine at codon 38 of the NPHP3 protein (p.Ala38Thr). The alanine residue is moderately conserved and there is a small physicochemical difference between alanine and threonine. In summary, the available evidence is currently insufficient to determine the role of this variant in disease. Therefore, it has been classified as a Variant of Uncertain Significance. Algorithms developed to predict the effect of missense changes on protein structure and function are either unavailable or do not agree on the potential impact of this missense change (SIFT: "Deleterious"; PolyPhen-2: "Benign"; Align-GVGD: "Class C0"). This variant has not been reported in the literature in individuals with NPHP3-related conditions. This variant is not present in population databases (ExAC no frequency).

NM_153240.5(NPHP3):c.112G>A (p.Ala38Thr)

Genes: NPHP3 (nephrocystin 3; minus strand), NPHP3-ACAD11 (NPHP3-ACAD11 readthrough (NMD candidate); minus strand), NPHP3-AS1 (NPHP3 antisense RNA 1; plus strand), LOC129937586 (ATAC-STARR-seq lymphoblastoid silent region 14743; plus strand). Cytogenetic location: 3q22.1.
Variant type: single nucleotide variant.
Coding change: c.112G>A on transcript NM_153240.5 (MANE Select); coding-DNA position 112, G replaced by A.
Protein change: p.Ala38Thr; replaces alanine 38 with threonine.
Molecular consequence: missense variant. On other transcripts: non-coding transcript variant (3).
Genome position (GRCh38, 1-based): chr3:132,722,244, C>T on the plus strand (G>A on the coding strand, the complement: NPHP3 is on the minus strand). VCF-style: chr3-132722244-C-T. GRCh37 (hg19) VCF-style: chr3-132441088-C-T.
Other names: short protein forms A38T.
Identifiers: ClinVar variation 1471495 (VCV001471495.8), dbSNP rs2108008149, ClinGen allele CA354589832.